The following is an entry in ClinVar:

NM_199420.4(POLQ):c.4299T>G (p.Asn1433Lys)

Gene: POLQ (DNA polymerase theta; minus strand). Cytogenetic location: 3q13.33.
Variant type: single nucleotide variant.
Coding change: c.4299T>G on transcript NM_199420.4 (MANE Select); coding-DNA position 4299, T replaced by G.
Protein change: p.Asn1433Lys; replaces asparagine 1433 with lysine.
Molecular consequence: missense variant.
Genome position (GRCh38, 1-based): chr3:121,488,632, A>C on the plus strand (T>G on the coding strand, the complement: POLQ is on the minus strand). VCF-style: chr3-121488632-A-C. GRCh37 (hg19) VCF-style: chr3-121207479-A-C.
Other names: short protein forms N1433K.
Identifiers: ClinVar variation 1739484 (VCV001739484.3), dbSNP rs1267871609, ClinGen allele CA354095450.

ClinVar aggregate classification (germline): Uncertain significance (1 of 4 stars; one submission).

Allele frequency attached by ClinVar (database versions not stated): gnomAD exomes below 0.00001; gnomAD 0.00001; TOPMed 0.00001.
gnomAD v4.1: 3 of 1,602,134 alleles (0.00019%); highest among the groups gnomAD compares: African/African-American, 0.0041%; no homozygotes.

Submission:

Ambry Genetics
Classification: Uncertain significance. Last evaluated: 2024-03-21. Review status: criteria provided, single submitter. Criteria: Ambry Variant Classification Scheme 2023. Collection method: clinical testing. Allele origin: germline.
Comment: The p.N1433K variant (also known as c.4299T>G), located in coding exon 16 of the POLQ gene, results from a T to G substitution at nucleotide position 4299. The asparagine at codon 1433 is replaced by lysine, an amino acid with similar properties. This amino acid position is conserved. In addition, this alteration is predicted to be tolerated by in silico analysis. Since supporting evidence is limited at this time, the clinical significance of this alteration remains unclear.